The following is an entry in ClinVar:

ClinVar aggregate classification (germline): Uncertain significance (1 of 4 stars; one submission).

Conditions:
Inborn genetic diseases. Identifiers: MedGen C0950123, MeSH D030342.

Submission:

Ambry Genetics
Classification: Uncertain significance for Inborn genetic diseases. Last evaluated: 2026-09-07. Review status: criteria provided, single submitter. Criteria: Ambry Variant Classification Scheme 2023. Collection method: clinical testing. Allele origin: germline.
Comment: The p.S79Y variant (also known as c.236C>A), located in coding exon 1 of the SAMD9L gene, results from a C to A substitution at nucleotide position 236. The serine at codon 79 is replaced by tyrosine, an amino acid with dissimilar properties. This amino acid position is conserved. In addition, this alteration is predicted to be tolerated by in silico analysis. Based on the available evidence, the clinical significance of this variant remains unclear.

NM_152703.5(SAMD9L):c.236C>A (p.Ser79Tyr)

Gene: SAMD9L (sterile alpha motif domain containing 9 like; minus strand). Cytogenetic location: 7q21.2.
Variant type: single nucleotide variant.
Coding change: c.236C>A on transcript NM_152703.5 (MANE Select); coding-DNA position 236, C replaced by A.
Protein change: p.Ser79Tyr; replaces serine 79 with tyrosine.
Molecular consequence: missense variant.
Genome position (GRCh38, 1-based): chr7:93,135,736, G>T on the plus strand (C>A on the coding strand, the complement: SAMD9L is on the minus strand). VCF-style: chr7-93135736-G-T. GRCh37 (hg19) VCF-style: chr7-92765049-G-T.
Other names: c.236C>A, p.Ser79Tyr (NM_001303496.3, NM_001303497.3, NM_001303498.3 and 5 more transcripts); short protein forms S79Y.
Identifiers: ClinVar variation 5028987 (VCV005028987.1).